The following is an entry in ClinVar:

ClinVar aggregate classification (germline): Uncertain significance (1 of 4 stars; one submission).

Conditions:
KBG syndrome (KBGS). Also called: ANKRD11-Related KBG Syndrome. Identifiers: Orphanet 2332, MedGen C0220687, MONDO:0007846, OMIM 148050.

Submission:

Laboratorio de Genetica e Diagnostico Molecular, Hospital Israelita Albert Einstein
Classification: Uncertain significance for KBG syndrome. Last evaluated: 2023-09-14. Review status: criteria provided, single submitter. Criteria: ACMG Guidelines, 2015. Collection method: clinical testing. Allele origin: germline. Affected: yes.
Comment: ACMG classification criteria: PM2 moderate, BP4 supporting

NM_013275.6(ANKRD11):c.6731T>A (p.Val2244Asp)

Gene: ANKRD11 (ankyrin repeat domain 11; minus strand). Cytogenetic location: 16q24.3.
Variant type: single nucleotide variant.
Coding change: c.6731T>A on transcript NM_013275.6 (MANE Select); coding-DNA position 6731, T replaced by A.
Protein change: p.Val2244Asp; replaces valine 2244 with aspartic acid.
Molecular consequence: missense variant.
Genome position (GRCh38, 1-based): chr16:89,279,811, A>T on the plus strand (T>A on the coding strand, the complement: ANKRD11 is on the minus strand). VCF-style: chr16-89279811-A-T. GRCh37 (hg19) VCF-style: chr16-89346219-A-T.
Other names: c.6731T>A, p.Val2244Asp (NM_001256182.2, NM_001256183.2); short protein forms V2244D.
Identifiers: ClinVar variation 3901040 (VCV003901040.1).